The following is an entry in ClinVar:

NM_007294.4(BRCA1):c.1011A>G (p.Glu337=)

Gene: BRCA1 (BRCA1 DNA repair associated; minus strand). Cytogenetic location: 17q21.31.
Variant type: single nucleotide variant.
Coding change: c.1011A>G on transcript NM_007294.4 (MANE Select); coding-DNA position 1011, A replaced by G.
Protein change: p.Glu337=; no amino-acid change (glutamic acid 337 retained).
Molecular consequence: synonymous variant. On other transcripts: intron variant (137).
Genome position (GRCh38, 1-based): chr17:43,094,520, T>C on the plus strand (A>G on the coding strand, the complement: BRCA1 is on the minus strand). VCF-style: chr17-43094520-T-C. GRCh37 (hg19) VCF-style: chr17-41246537-T-C.
Other names: c.798A>G, p.Glu266= (NM_001407571.1, NM_001407853.1, NM_001407894.1 and 9 more transcripts); c.1011A>G, p.Glu337= (NM_001407581.1, NM_001407582.1, NM_001407583.1 and 30 more transcripts); c.1008A>G, p.Glu336= (NM_001407587.1, NM_001407590.1, NM_001407610.1 and 22 more transcripts); c.1002A>G, p.Glu334= (NM_001407646.1, NM_001407647.1); c.888A>G, p.Glu296= (NM_001407648.1, NM_001407664.1, NM_001407665.1 and 19 more transcripts); c.885A>G, p.Glu295= (NM_001407649.1, NM_001407670.1, NM_001407671.1 and 11 more transcripts); c.933A>G, p.Glu311= (NM_001407653.1, NM_001407654.1, NM_001407655.1 and 4 more transcripts); c.930A>G, p.Glu310= (NM_001407659.1, NM_001407660.1, NM_001407661.1 and 1 more transcripts); and 40 more.
Identifiers: ClinVar variation 514372 (VCV000514372.27), dbSNP rs1555592670, ClinGen allele CA500234038.

ClinVar aggregate classification (germline): Conflicting classifications of pathogenicity. Review status: criteria provided, conflicting classifications (1 of 4 stars). 6 submissions from 6 submitters: Uncertain significance (1); Likely benign (5). Last evaluated 2025-01-06.

Conditions:
Hereditary cancer-predisposing syndrome. Also called: Hereditary Cancer Syndrome; Neoplastic Syndromes, Hereditary; Tumor predisposition; Hereditary neoplastic syndrome. Identifiers: Orphanet 140162, MedGen C0027672, MeSH D009386, MONDO:0015356.
Hereditary breast ovarian cancer syndrome. Also called: Hereditary breast and ovarian cancer syndrome; BRCA1- and BRCA2-Associated Hereditary Breast and Ovarian Cancer; Hereditary breast and/or ovarian cancer syndrome; Hereditary breast and ovarian cancer syndrome (HBOC); Breast and ovarian cancer; Hereditary breast and ovarian cancer. Identifiers: Orphanet 145, MedGen C0677776, MeSH D061325, MONDO:0003582. Disease mechanism: loss of function.

Submissions (6):

Labcorp Genetics (formerly Invitae), Labcorp
Classification: Likely benign for Hereditary breast ovarian cancer syndrome. Last evaluated: 2025-01-06. Review status: criteria provided, single submitter. Criteria: Invitae Variant Classification Sherloc (09022015). Collection method: clinical testing. Allele origin: germline.

Color Diagnostics, LLC DBA Color Health
Classification: Likely benign for Hereditary cancer-predisposing syndrome. Last evaluated: 2023-03-06. Review status: criteria provided, single submitter. Criteria: ACMG Guidelines, 2015. Collection method: clinical testing. Allele origin: germline.

Sema4
Classification: Likely benign for Hereditary cancer-predisposing syndrome. Last evaluated: 2022-03-04. Review status: criteria provided, single submitter. Criteria: Sema4 Curation Guidelines. Collection method: curation. Allele origin: germline.

Ambry Genetics
Classification: Likely benign for Hereditary cancer-predisposing syndrome. Last evaluated: 2018-01-04. Review status: criteria provided, single submitter. Criteria: Ambry Variant Classification Scheme 2023. Collection method: clinical testing. Allele origin: germline.

GeneDx
Classification: Likely benign. Last evaluated: 2017-12-21. Review status: criteria provided, single submitter. Criteria: GeneDx Variant Classification (06012015). Collection method: clinical testing. Allele origin: germline. Affected: yes.
Comment: This variant is considered likely benign or benign based on one or more of the following criteria: it is a conservative change, it occurs at a poorly conserved position in the protein, it is predicted to be benign by multiple in silico algorithms, and/or has population frequency not consistent with disease.

Quest Diagnostics Nichols Institute San Juan Capistrano
Classification: Uncertain significance. Last evaluated: 2017-10-16. Review status: criteria provided, single submitter. Criteria: Quest Diagnostics criteria. Collection method: clinical testing. Allele origin: germline.

Literature cited by the submitters: PubMed 34413315 (cited by Sema4).